The following is an entry in ClinVar:

NM_002907.4(RECQL):c.1671A>C (p.Glu557Asp)

Genes: PYROXD1 (pyridine nucleotide-disulphide oxidoreductase domain 1; plus strand), RECQL (RecQ like helicase; minus strand). Cytogenetic location: 12p12.1.
Variant type: single nucleotide variant.
Coding change: c.1671A>C on transcript NM_002907.4 (MANE Select); coding-DNA position 1671, A replaced by C.
Protein change: p.Glu557Asp; replaces glutamic acid 557 with aspartic acid.
Molecular consequence: missense variant. On other transcripts: 3 prime UTR variant (3).
Genome position (GRCh38, 1-based): chr12:21,471,095, T>G on the plus strand (A>C on the coding strand, the complement: RECQL is on the minus strand). VCF-style: chr12-21471095-T-G. GRCh37 (hg19) VCF-style: chr12-21624029-T-G.
Other names: c.*2341T>G (NM_001350913.2, NM_024854.5, NM_001350912.2); c.1671A>C, p.Glu557Asp (NM_032941.3); short protein forms E557D.
Identifiers: ClinVar variation 4826745 (VCV004826745.1).

ClinVar aggregate classification (germline): Uncertain significance (1 of 4 stars; one submission).

Submission:

Ambry Genetics
Classification: Uncertain significance. Last evaluated: 2026-03-06. Review status: criteria provided, single submitter. Criteria: Ambry Variant Classification Scheme 2023. Collection method: clinical testing. Allele origin: germline.
Comment: The p.E557D variant (also known as c.1671A>C), located in coding exon 13 of the RECQL gene, results from an A to C substitution at nucleotide position 1671. The glutamic acid at codon 557 is replaced by aspartic acid, an amino acid with highly similar properties. This amino acid position is conserved. In addition, this alteration is predicted to be tolerated by in silico analysis. Based on the available evidence, the clinical significance of this variant remains unclear.